The following is an entry in ClinVar:

NM_004628.5(XPC):c.299+1_299+3del

Gene: XPC (XPC complex subunit, DNA damage recognition and repair factor; minus strand). Cytogenetic location: 3p25.1.
Variant type: Deletion.
Coding change: c.299+1_299+3del on transcript NM_004628.5 (MANE Select); the canonical splice donor site of the intron after coding-DNA position 299 through 3 bases into the intron after coding-DNA position 299, 3 bases deleted (GTG; older notation c.299+1_299+3delGTG).
Molecular consequence: splice donor variant.
Genome position (GRCh38, 1-based): chr3:14,172,864-14,172,866, CAC deleted on the plus strand (GTG on the coding strand, the reverse complement: XPC is on the minus strand); deleting any 3 consecutive bases within chr3:14,172,864-14,172,867 gives the same sequence; the c. name uses the placement nearest the transcript's 3' end. VCF-style (leftmost placement, unchanged base first): chr3-14172863-TCAC-T. GRCh37 (hg19) VCF-style: chr3-14214363-TCAC-T.
Other names: c.281+1_281+3del (NM_001354729.2); c.-157+1_-157+3del (NM_001354726.2); c.299+1_299+3del (NM_001354730.2, NM_001354727.2).
Identifiers: ClinVar variation 2734446 (VCV002734446.3), dbSNP rs2470303543, ClinGen allele CA2586971826.

ClinVar aggregate classification (germline): Pathogenic (1 of 4 stars; one submission).

Submission:

Labcorp Genetics (formerly Invitae), Labcorp
Classification: Pathogenic. Last evaluated: 2023-07-07. Review status: criteria provided, single submitter. Criteria: Invitae Variant Classification Sherloc (09022015). Collection method: clinical testing. Allele origin: germline.
Comment: Algorithms developed to predict the effect of sequence changes on RNA splicing suggest that this variant may disrupt the consensus splice site. For these reasons, this variant has been classified as Pathogenic. Disruption of this splice site has been observed in individual(s) with xeroderma pigmentosum (PMID: 27607234). In at least one individual the data is consistent with being in trans (on the opposite chromosome) from a pathogenic variant. This variant is not present in population databases (gnomAD no frequency). This sequence change affects a splice site in intron 2 of the XPC gene. It is expected to disrupt RNA splicing. Variants that disrupt the donor or acceptor splice site typically lead to a loss of protein function (PMID: 16199547), and loss-of-function variants in XPC are known to be pathogenic (PMID: 23173980, 25256075).

Literature cited by the submitters: PubMed 27607234; PubMed 16199547; PubMed 23173980; PubMed 25256075.